The following is an entry in ClinVar:

ClinVar aggregate classification (germline): Uncertain significance (1 of 4 stars; one submission).

Conditions:
Nephronophthisis 14 (NPHP14). Identifiers: Orphanet 2318, MedGen C3539071, MONDO:0013916, OMIM 614844.

Allele frequency attached by ClinVar (database versions not stated): gnomAD exomes below 0.00001; ExAC 0.00001; gnomAD 0.00001; TOPMed 0.00002; ESP Exome Variant Server 0.00008.
gnomAD v4.1: 2 of 1,613,926 alleles (0.00012%); highest among the groups gnomAD compares: African/African-American, 0.0027%; no homozygotes.

Submission:

Labcorp Genetics (formerly Invitae), Labcorp
Classification: Uncertain significance for Nephronophthisis 14. Last evaluated: 2022-02-17. Review status: criteria provided, single submitter. Criteria: Invitae Variant Classification Sherloc (09022015). Collection method: clinical testing. Allele origin: germline.
Comment: In summary, the available evidence is currently insufficient to determine the role of this variant in disease. Therefore, it has been classified as a Variant of Uncertain Significance. This sequence change replaces phenylalanine, which is neutral and non-polar, with leucine, which is neutral and non-polar, at codon 759 of the ZNF423 protein (p.Phe759Leu). This variant is present in population databases (rs138951619, gnomAD 0.007%). This variant has not been reported in the literature in individuals affected with ZNF423-related conditions. Algorithms developed to predict the effect of missense changes on protein structure and function are either unavailable or do not agree on the potential impact of this missense change (SIFT: "Tolerated"; PolyPhen-2: "Probably Damaging"; Align-GVGD: "Class C0").

NM_001379286.1(ZNF423):c.2301C>G (p.Phe767Leu)

Gene: ZNF423 (zinc finger protein 423; minus strand). Cytogenetic location: 16q12.1.
Variant type: single nucleotide variant.
Coding change: c.2301C>G on transcript NM_001379286.1 (MANE Select); coding-DNA position 2301, C replaced by G.
Protein change: p.Phe767Leu; replaces phenylalanine 767 with leucine.
Molecular consequence: missense variant.
Genome position (GRCh38, 1-based): chr16:49,636,875, G>C on the plus strand (C>G on the coding strand, the complement: ZNF423 is on the minus strand). VCF-style: chr16-49636875-G-C. GRCh37 (hg19) VCF-style: chr16-49670786-G-C.
Other names: c.2097C>G, p.Phe699Leu (NM_001271620.2); c.1926C>G, p.Phe642Leu (NM_001330533.2); c.2277C>G, p.Phe759Leu (NM_015069.5); short protein forms F699L, F759L, F642L, F767L.
Identifiers: ClinVar variation 2097842 (VCV002097842.4), dbSNP rs138951619, ClinGen allele CA8046535.